The following is an entry in ClinVar:

NM_000283.4(PDE6B):c.1768A>G (p.Met590Val)

Gene: PDE6B (phosphodiesterase 6B; plus strand). Cytogenetic location: 4p16.3.
Variant type: single nucleotide variant.
Coding change: c.1768A>G on transcript NM_000283.4 (MANE Select); coding-DNA position 1768, A replaced by G.
Protein change: p.Met590Val; replaces methionine 590 with valine.
Molecular consequence: missense variant.
Genome position (GRCh38, 1-based): chr4:662,554, A>G. VCF-style: chr4-662554-A-G. GRCh37 (hg19) VCF-style: chr4-656343-A-G.
Other names: c.1768A>G, p.Met590Val (NM_001145291.2); c.931A>G, p.Met311Val (NM_001145292.2, NM_001350154.3, NM_001379246.1 and 1 more transcripts); c.613A>G, p.Met205Val (NM_001350155.3); short protein forms M205V, M311V, M590V.
Identifiers: ClinVar variation 2417171 (VCV002417171.13), dbSNP rs1400957482, ClinGen allele CA355917382.

ClinVar aggregate classification (germline): Uncertain significance. Review status: criteria provided, multiple submitters, no conflicts (2 of 4 stars). 2 submissions from 2 submitters: Uncertain significance (2). Last evaluated 2025-07-01.

Allele frequency attached by ClinVar (database versions not stated): gnomAD exomes below 0.00001; gnomAD 0.00001; TOPMed 0.00002.
gnomAD v4.1: 8 of 1,613,086 alleles (0.0005%); highest among the groups gnomAD compares: Non-Finnish European, 0.00059%; no homozygotes.

Submissions (2):

CeGaT Center for Human Genetics Tuebingen
Classification: Uncertain significance. Last evaluated: 2025-07-01. Review status: criteria provided, single submitter. Criteria: CeGaT Center For Human Genetics Tuebingen Variant Classification Criteria Version 2. Collection method: clinical testing. Allele origin: germline. Affected: yes. Observed: 1 variant allele.
Comment: PDE6B: PM2

Labcorp Genetics (formerly Invitae), Labcorp
Classification: Uncertain significance. Last evaluated: 2024-03-10. Review status: criteria provided, single submitter. Criteria: Invitae Variant Classification Sherloc (09022015). Collection method: clinical testing. Allele origin: germline.
Comment: This sequence change replaces methionine, which is neutral and non-polar, with valine, which is neutral and non-polar, at codon 590 of the PDE6B protein (p.Met590Val). This variant is not present in population databases (gnomAD no frequency). This variant has not been reported in the literature in individuals affected with PDE6B-related conditions. ClinVar contains an entry for this variant (Variation ID: 2417171). Advanced modeling of protein sequence and biophysical properties (such as structural, functional, and spatial information, amino acid conservation, physicochemical variation, residue mobility, and thermodynamic stability) has been performed at Invitae for this missense variant, however the output from this modeling did not meet the statistical confidence thresholds required to predict the impact of this variant on PDE6B protein function. In summary, the available evidence is currently insufficient to determine the role of this variant in disease. Therefore, it has been classified as a Variant of Uncertain Significance.